The following is an entry in ClinVar:

NM_172351.3(CD46):c.545A>T (p.Glu182Val)

Gene: CD46 (CD46 molecule; plus strand). Cytogenetic location: 1q32.2.
Variant type: single nucleotide variant.
Coding change: c.545A>T on transcript NM_172351.3 (MANE Select); coding-DNA position 545, A replaced by T.
Protein change: p.Glu182Val; replaces glutamic acid 182 with valine.
Molecular consequence: missense variant.
Genome position (GRCh38, 1-based): chr1:207,761,318, A>T. VCF-style: chr1-207761318-A-T. GRCh37 (hg19) VCF-style: chr1-207934663-A-T.
Other names: c.545A>T, p.Glu182Val (NM_002389.4, NM_153826.4, NM_172350.3 and 8 more transcripts); short protein forms E182V.
Identifiers: ClinVar variation 1447231 (VCV001447231.8), dbSNP rs1465294888, ClinGen allele CA344548931.

ClinVar aggregate classification (germline): Uncertain significance (1 of 4 stars; one submission).

Allele frequency attached by ClinVar (database versions not stated): gnomAD exomes below 0.00001; TOPMed below 0.00001; gnomAD 0.00001.
gnomAD v4.1: 5 of 1,613,166 alleles (0.00031%); highest among the groups gnomAD compares: Admixed American, 0.0017%; no homozygotes.

Submission:

Labcorp Genetics (formerly Invitae), Labcorp
Classification: Uncertain significance. Last evaluated: 2021-03-30. Review status: criteria provided, single submitter. Criteria: Invitae Variant Classification Sherloc (09022015). Collection method: clinical testing. Allele origin: germline.
Comment: In summary, the available evidence is currently insufficient to determine the role of this variant in disease. Therefore, it has been classified as a Variant of Uncertain Significance. Algorithms developed to predict the effect of missense changes on protein structure and function are either unavailable or do not agree on the potential impact of this missense change (SIFT: "Tolerated"; PolyPhen-2: "Probably Damaging"; Align-GVGD: "Class C0"). This variant has not been reported in the literature in individuals with CD46-related conditions. This variant is not present in population databases (ExAC no frequency). This sequence change replaces glutamic acid with valine at codon 182 of the CD46 protein (p.Glu182Val). The glutamic acid residue is weakly conserved and there is a moderate physicochemical difference between glutamic acid and valine.